The following is an entry in ClinVar:

ClinVar aggregate classification (germline): Likely benign (1 of 4 stars; one submission).

gnomAD v4.1: 13 of 1,484,868 alleles (0.00088%); highest among the groups gnomAD compares: Admixed American, 0.019%; no homozygotes.

Submission:

CeGaT Center for Human Genetics Tuebingen
Classification: Likely benign. Last evaluated: 2025-06-01. Review status: criteria provided, single submitter. Criteria: CeGaT Center For Human Genetics Tuebingen Variant Classification Criteria Version 2. Collection method: clinical testing. Allele origin: germline. Affected: yes. Observed: 1 variant allele.
Comment: RRAS2: BP4, BP7

NM_012250.6(RRAS2):c.72C>T (p.Gly24=)

Genes: RRAS2 (RAS related 2; minus strand), LOC130005368 (ATAC-STARR-seq lymphoblastoid silent region 3172; plus strand). Cytogenetic location: 11p15.2.
Variant type: single nucleotide variant.
Coding change: c.72C>T on transcript NM_012250.6 (MANE Select); coding-DNA position 72, C replaced by T.
Protein change: p.Gly24=; no amino-acid change (glycine 24 retained).
Molecular consequence: synonymous variant. On other transcripts: intron variant (1).
Genome position (GRCh38, 1-based): chr11:14,358,799, G>A on the plus strand (C>T on the coding strand, the complement: RRAS2 is on the minus strand). VCF-style: chr11-14358799-G-A. GRCh37 (hg19) VCF-style: chr11-14380345-G-A.
Other names: c.3+5592C>T (NM_001177314.2).
Identifiers: ClinVar variation 3905894 (VCV003905894.10).